The following is an entry in ClinVar:

ClinVar aggregate classification (germline): Pathogenic (1 of 4 stars; one submission).

Conditions:
Aniridia 1 (AN1). Identifiers: Orphanet 250923, MedGen C0344542, MONDO:0024507, OMIM 106210.
Irido-corneo-trabecular dysgenesis (ASGD5). Also called: ANTERIOR SEGMENT DYSGENESIS 5. Identifiers: Orphanet 708, MedGen C0344559, MONDO:0011414, OMIM 604229, HP:0000659.

Submission:

Labcorp Genetics (formerly Invitae), Labcorp
Classification: Pathogenic for Aniridia 1; Irido-corneo-trabecular dysgenesis. Last evaluated: 2019-01-22. Review status: criteria provided, single submitter. Criteria: Invitae Variant Classification Sherloc (09022015). Collection method: clinical testing. Allele origin: germline.
Comment: For these reasons, this variant has been classified as Pathogenic. Experimental studies and prediction algorithms are not available for this variant, and the functional significance of the affected amino acid(s) is currently unknown. This variant is an in-frame deletion of the genomic region encompassing exon 8 of the PAX6 gene. It preserves the integrity of the reading frame.

NC_000011.10:g.(?_31794610)_(31794829_?)del

Gene: PAX6 (paired box 6; minus strand). Cytogenetic location: 11p13.
Variant type: Deletion.
Identifiers: ClinVar variation 651831 (VCV000651831.8).